The following is an entry in ClinVar:

ClinVar aggregate classification (germline): Uncertain significance (1 of 4 stars; one submission).

Allele frequency attached by ClinVar (database versions not stated): gnomAD exomes below 0.00001; gnomAD 0.00001.
gnomAD v4.1: 2 of 1,614,028 alleles (0.00012%); highest among the groups gnomAD compares: African/African-American, 0.0027%; no homozygotes.

Submission:

Labcorp Genetics (formerly Invitae), Labcorp
Classification: Uncertain significance. Last evaluated: 2023-11-20. Review status: criteria provided, single submitter. Criteria: Invitae Variant Classification Sherloc (09022015). Collection method: clinical testing. Allele origin: germline.
Comment: This sequence change replaces glutamic acid, which is acidic and polar, with lysine, which is basic and polar, at codon 99 of the NCSTN protein (p.Glu99Lys). This variant is present in population databases (no rsID available, gnomAD 0.01%). This variant has not been reported in the literature in individuals affected with NCSTN-related conditions. Advanced modeling of protein sequence and biophysical properties (such as structural, functional, and spatial information, amino acid conservation, physicochemical variation, residue mobility, and thermodynamic stability) performed at Invitae indicates that this missense variant is not expected to disrupt NCSTN protein function with a negative predictive value of 80%. In summary, the available evidence is currently insufficient to determine the role of this variant in disease. Therefore, it has been classified as a Variant of Uncertain Significance.

NM_015331.3(NCSTN):c.295G>A (p.Glu99Lys)

Gene: NCSTN (nicastrin; plus strand). Cytogenetic location: 1q23.2.
Variant type: single nucleotide variant.
Coding change: c.295G>A on transcript NM_015331.3 (MANE Select); coding-DNA position 295, G replaced by A.
Protein change: p.Glu99Lys; replaces glutamic acid 99 with lysine.
Molecular consequence: missense variant.
Genome position (GRCh38, 1-based): chr1:160,349,103, G>A. VCF-style: chr1-160349103-G-A. GRCh37 (hg19) VCF-style: chr1-160318893-G-A.
Other names: c.235G>A, p.Glu79Lys (NM_001290184.2); c.295G>A, p.Glu99Lys (NM_001290186.2, NM_001349729.2); short protein forms E99K, E79K.
Identifiers: ClinVar variation 3012153 (VCV003012153.3), dbSNP rs1483186384, ClinGen allele CA343276789.